The following is an entry in ClinVar:

ClinVar aggregate classification (germline): Benign/Likely benign. Review status: criteria provided, multiple submitters, no conflicts (2 of 4 stars). 4 submissions from 4 submitters: Benign (2); Likely benign (1). 1 of the submissions does not count toward it. Last evaluated 2026-01-28.

Conditions:
SLC10A2-related disorder. Also called: SLC10A2-related condition.

Allele frequency attached by ClinVar (database versions not stated): ESP Exome Variant Server 0.00008; TOPMed 0.00013; gnomAD 0.00029 and 0.00002; gnomAD exomes 0.00058 and 0.00098; ExAC 0.00115; 1000 Genomes Project 0.00120; 1000 Genomes Project 30x 0.00156.

Submissions (4):

Labcorp Genetics (formerly Invitae), Labcorp
Classification: Benign. Last evaluated: 2026-01-28. Review status: criteria provided, single submitter. Criteria: Invitae Variant Classification Sherloc (09022015). Collection method: clinical testing. Allele origin: germline.

Blueprint Genetics
Classification: Likely benign. Last evaluated: 2024-01-19. Review status: criteria provided, single submitter. Criteria: ACMG Guidelines, 2015. Collection method: clinical testing. Allele origin: germline.

Eurofins Ntd Llc (ga)
Classification: Benign. Last evaluated: 2017-02-15. Review status: criteria provided, single submitter. Criteria: EGL Classification Definitions 2015. Collection method: clinical testing. Allele origin: germline. Observed: 1 variant allele, 1 heterozygote.

PreventionGenetics, part of Exact Sciences
Classification: Likely benign for SLC10A2-related condition. Last evaluated: 2021-03-24. Review status: no assertion criteria provided. Collection method: clinical testing. Allele origin: germline. Not counted in ClinVar's aggregate classification.
Comment: This variant is classified as likely benign based on ACMG/AMP sequence variant interpretation guidelines (Richards et al. 2015 PMID: 25741868, with internal and published modifications).

NM_000452.3(SLC10A2):c.190C>T (p.Arg64Trp)

Gene: SLC10A2 (solute carrier family 10 member 2; minus strand). Cytogenetic location: 13q33.1.
Variant type: single nucleotide variant.
Coding change: c.190C>T on transcript NM_000452.3 (MANE Select); coding-DNA position 190, C replaced by T.
Protein change: p.Arg64Trp; replaces arginine 64 with tryptophan.
Molecular consequence: missense variant.
Genome position (GRCh38, 1-based): chr13:103,066,060, G>A on the plus strand (C>T on the coding strand, the complement: SLC10A2 is on the minus strand). VCF-style: chr13-103066060-G-A. GRCh37 (hg19) VCF-style: chr13-103718410-G-A.
Other names: c.190C>T (NM_000452.2); short protein forms R64W.
Identifiers: ClinVar variation 500386 (VCV000500386.12), dbSNP rs142620512, ClinGen allele CA7042317.